The following is an entry in ClinVar:

ClinVar aggregate classification (germline): Uncertain significance (1 of 4 stars; one submission).

Submission:

Labcorp Genetics (formerly Invitae), Labcorp
Classification: Uncertain significance. Last evaluated: 2022-04-25. Review status: criteria provided, single submitter. Criteria: Invitae Variant Classification Sherloc (09022015). Collection method: clinical testing. Allele origin: germline.
Comment: In summary, the available evidence is currently insufficient to determine the role of this variant in disease. Therefore, it has been classified as a Variant of Uncertain Significance. Algorithms developed to predict the effect of missense changes on protein structure and function are either unavailable or do not agree on the potential impact of this missense change (SIFT: "Deleterious"; PolyPhen-2: "Possibly Damaging"; Align-GVGD: "Class C0"). This variant has not been reported in the literature in individuals affected with GRM6-related conditions. This variant is not present in population databases (gnomAD no frequency). This sequence change replaces threonine, which is neutral and polar, with arginine, which is basic and polar, at codon 40 of the GRM6 protein (p.Thr40Arg).

NM_000843.4(GRM6):c.119C>G (p.Thr40Arg)

Gene: GRM6 (glutamate metabotropic receptor 6; minus strand). Cytogenetic location: 5q35.3.
Variant type: single nucleotide variant.
Coding change: c.119C>G on transcript NM_000843.4 (MANE Select); coding-DNA position 119, C replaced by G.
Protein change: p.Thr40Arg; replaces threonine 40 with arginine.
Molecular consequence: missense variant.
Genome position (GRCh38, 1-based): chr5:178,994,826, G>C on the plus strand (C>G on the coding strand, the complement: GRM6 is on the minus strand). VCF-style: chr5-178994826-G-C. GRCh37 (hg19) VCF-style: chr5-178421827-G-C.
Other names: short protein forms T40R.
Identifiers: ClinVar variation 1488933 (VCV001488933.6), dbSNP rs2113348491, ClinGen allele CA362437033.